The following is an entry in ClinVar:

ClinVar aggregate classification (germline): Pathogenic (0 of 4 stars; one submission).

Conditions:
Autoinflammatory syndrome, familial, Behcet-like. Identifiers: MedGen CN234876, MONDO:0031384.

Submission:

Department of Maternal-Fetal Biology, National Research Institute for Child Health and Development
Classification: Pathogenic. Last evaluated: 2020-07-29. Review status: no assertion criteria provided. Collection method: research. Allele origin: de novo. Inheritance: Autosomal dominant inheritance. Affected: yes. Observed: 1 variant allele, 1 heterozygote.
Comment: This deletion was detected by copy number variation analysis conducted with WES data and SNP array. The information of this deletion was taken from the SNP array results.

Single allele

Gene: TNFAIP3 (TNF alpha induced protein 3; plus strand). Cytogenetic location: 6q23.3.
Variant type: Deletion.
Identifiers: ClinVar variation 998175 (VCV000998175.4).